The following is an entry in ClinVar:

NM_152594.3(SPRED1):c.758T>C (p.Ile253Thr)

Gene: SPRED1 (sprouty related EVH1 domain containing 1; plus strand). Cytogenetic location: 15q14.
Variant type: single nucleotide variant.
Coding change: c.758T>C on transcript NM_152594.3 (MANE Select); coding-DNA position 758, T replaced by C.
Protein change: p.Ile253Thr; replaces isoleucine 253 with threonine.
Molecular consequence: missense variant.
Genome position (GRCh38, 1-based): chr15:38,351,087, T>C. VCF-style: chr15-38351087-T-C. GRCh37 (hg19) VCF-style: chr15-38643288-T-C.
Other names: short protein forms I253T.
Identifiers: ClinVar variation 2163050 (VCV002163050.4), dbSNP rs1187107780, ClinGen allele CA391933176.

ClinVar aggregate classification (germline): Uncertain significance (1 of 4 stars; one submission).

Conditions:
Legius syndrome. Identifiers: Orphanet 137605, MedGen C1969623, MONDO:0012669, OMIM 611431. Disease mechanism: loss of function.

Allele frequency attached by ClinVar (database versions not stated): gnomAD exomes below 0.00001; gnomAD 0.00001.
gnomAD v4.1: 2 of 1,613,860 alleles (0.00012%); highest among the groups gnomAD compares: Non-Finnish European, 0.00017%; no homozygotes.

Submission:

Labcorp Genetics (formerly Invitae), Labcorp
Classification: Uncertain significance for Legius syndrome. Last evaluated: 2023-03-20. Review status: criteria provided, single submitter. Criteria: Invitae Variant Classification Sherloc (09022015). Collection method: clinical testing. Allele origin: germline.
Comment: This sequence change replaces isoleucine, which is neutral and non-polar, with threonine, which is neutral and polar, at codon 253 of the SPRED1 protein (p.Ile253Thr). In summary, the available evidence is currently insufficient to determine the role of this variant in disease. Therefore, it has been classified as a Variant of Uncertain Significance. Advanced modeling of protein sequence and biophysical properties (such as structural, functional, and spatial information, amino acid conservation, physicochemical variation, residue mobility, and thermodynamic stability) performed at Invitae indicates that this missense variant is not expected to disrupt SPRED1 protein function. ClinVar contains an entry for this variant (Variation ID: 2163050). This variant has not been reported in the literature in individuals affected with SPRED1-related conditions. This variant is not present in population databases (gnomAD no frequency).